The following is an entry in ClinVar:

ClinVar aggregate classification (germline): Likely pathogenic (1 of 4 stars; one submission).

Submission:

Labcorp Genetics (formerly Invitae), Labcorp
Classification: Likely pathogenic. Last evaluated: 2022-06-20. Review status: criteria provided, single submitter. Criteria: Invitae Variant Classification Sherloc (09022015). Collection method: clinical testing. Allele origin: germline.
Comment: This variant disrupts the triple helix domain of COL4A1. Glycine residues within the Gly-Xaa-Yaa repeats of the triple helix domain are required for the structure and stability of fibrillar collagens (PMID: 7695699, 8218237, 19344236). In COL4A1 variants affecting these glycine residues are significantly enriched in individuals with disease (PMID: 9016532, 17078022) compared to the general population (ExAC). In summary, the currently available evidence indicates that the variant is pathogenic, but additional data are needed to prove that conclusively. Therefore, this variant has been classified as Likely Pathogenic. This variant is not present in population databases (gnomAD no frequency). This variant has not been reported in the literature in individuals affected with COL4A1-related conditions. Advanced modeling of protein sequence and biophysical properties (such as structural, functional, and spatial information, amino acid conservation, physicochemical variation, residue mobility, and thermodynamic stability) performed at Invitae indicates that this missense variant is expected to disrupt COL4A1 protein function. This sequence change replaces glycine, which is neutral and non-polar, with alanine, which is neutral and non-polar, at codon 879 of the COL4A1 protein (p.Gly879Ala).

Literature cited by the submitters: PubMed 7695699; PubMed 8218237; PubMed 19344236; PubMed 9016532; PubMed 17078022.

NM_001845.6(COL4A1):c.2636G>C (p.Gly879Ala)

Gene: COL4A1 (collagen type IV alpha 1 chain; minus strand). Cytogenetic location: 13q34.
Variant type: single nucleotide variant.
Coding change: c.2636G>C on transcript NM_001845.6 (MANE Select); coding-DNA position 2636, G replaced by C.
Protein change: p.Gly879Ala; replaces glycine 879 with alanine.
Molecular consequence: missense variant.
Genome position (GRCh38, 1-based): chr13:110,177,922, C>G on the plus strand (G>C on the coding strand, the complement: COL4A1 is on the minus strand). VCF-style: chr13-110177922-C-G. GRCh37 (hg19) VCF-style: chr13-110830269-C-G.
Other names: short protein forms G879A.
Identifiers: ClinVar variation 1525217 (VCV001525217.8), dbSNP rs2139164015, ClinGen allele CA388667665.